The following is an entry in ClinVar:

ClinVar aggregate classification (germline): Conflicting classifications of pathogenicity. Review status: criteria provided, conflicting classifications (1 of 4 stars). 2 submissions from 2 submitters: Uncertain significance (1); Likely benign (1). Last evaluated 2025-10-10.

Conditions:
Hereditary cancer-predisposing syndrome. Also called: Neoplastic Syndromes, Hereditary; Tumor predisposition; Hereditary Cancer Syndrome; Hereditary neoplastic syndrome. Identifiers: Orphanet 140162, MedGen C0027672, MeSH D009386, MONDO:0015356.
Hereditary breast ovarian cancer syndrome. Also called: Hereditary breast and ovarian cancer; Hereditary breast and ovarian cancer syndrome (HBOC); BRCA1- and BRCA2-Associated Hereditary Breast and Ovarian Cancer; Hereditary breast and ovarian cancer syndrome; Hereditary breast and/or ovarian cancer syndrome; Breast and ovarian cancer. Identifiers: Orphanet 145, MedGen C0677776, MeSH D061325, MONDO:0003582. Disease mechanism: loss of function.

Allele frequency attached by ClinVar (database versions not stated): gnomAD 0.00001.
gnomAD v4.1: 1 of 1,613,438 alleles (0.000062%); highest among the groups gnomAD compares: Non-Finnish European, 0.000085%; no homozygotes.

Submissions (2):

Labcorp Genetics (formerly Invitae), Labcorp
Classification: Uncertain significance for Hereditary breast ovarian cancer syndrome. Last evaluated: 2025-10-10. Review status: criteria provided, single submitter. Criteria: Invitae Variant Classification Sherloc (09022015). Collection method: clinical testing. Allele origin: germline.
Comment: This sequence change replaces alanine, which is neutral and non-polar, with threonine, which is neutral and polar, at codon 2467 of the BRCA2 protein (p.Ala2467Thr). This variant is not present in population databases (gnomAD no frequency). This variant has not been reported in the literature in individuals affected with BRCA2-related conditions. ClinVar contains an entry for this variant (Variation ID: 640575). Invitae Evidence Modeling of protein sequence and biophysical properties (such as structural, functional, and spatial information, amino acid conservation, physicochemical variation, residue mobility, and thermodynamic stability) indicates that this missense variant is not expected to disrupt BRCA2 protein function with a negative predictive value of 95%. In summary, the available evidence is currently insufficient to determine the role of this variant in disease. Therefore, it has been classified as a Variant of Uncertain Significance.

Ambry Genetics
Classification: Likely benign for Hereditary cancer-predisposing syndrome. Last evaluated: 2020-01-27. Review status: criteria provided, single submitter. Criteria: Ambry Variant Classification Scheme 2023. Collection method: clinical testing. Allele origin: germline.

NM_000059.4(BRCA2):c.7399G>A (p.Ala2467Thr)

Gene: BRCA2 (BRCA2 DNA repair associated; plus strand). Cytogenetic location: 13q13.1.
Variant type: single nucleotide variant.
Coding change: c.7399G>A on transcript NM_000059.4 (MANE Select); coding-DNA position 7399, G replaced by A.
Protein change: p.Ala2467Thr; replaces alanine 2467 with threonine.
Molecular consequence: missense variant.
Genome position (GRCh38, 1-based): chr13:32,355,252, G>A. VCF-style: chr13-32355252-G-A. GRCh37 (hg19) VCF-style: chr13-32929389-G-A.
Other names: short protein forms A2467T.
Identifiers: ClinVar variation 640575 (VCV000640575.11), dbSNP rs1593918596, ClinGen allele CA387741823.